The following is an entry in ClinVar:

NM_198428.3(BBS9):c.2327T>C (p.Ile776Thr)

Gene: BBS9 (Bardet-Biedl syndrome 9; plus strand). Cytogenetic location: 7p14.3.
Variant type: single nucleotide variant.
Coding change: c.2327T>C on transcript NM_198428.3 (MANE Select); coding-DNA position 2327, T replaced by C.
Protein change: p.Ile776Thr; replaces isoleucine 776 with threonine.
Molecular consequence: missense variant. On other transcripts: non-coding transcript variant (3).
Genome position (GRCh38, 1-based): chr7:33,533,982, T>C. VCF-style: chr7-33533982-T-C. GRCh37 (hg19) VCF-style: chr7-33573594-T-C.
Other names: c.2222T>C, p.Ile741Thr (NM_001033604.2); c.2312T>C, p.Ile771Thr (NM_001033605.2); c.2327T>C, p.Ile776Thr (NM_001348036.1, NM_001348041.4, NM_001348043.3 and 1 more transcripts); c.1778T>C, p.Ile593Thr (NM_001348037.3); c.2054T>C, p.Ile685Thr (NM_001348038.3); c.1949T>C, p.Ile650Thr (NM_001348039.3); c.2207T>C, p.Ile736Thr (NM_001348040.3, NM_014451.4); c.2192T>C, p.Ile731Thr (NM_001348042.3); and 2 more; short protein forms I619T, I731T, I650T, I685T, I771T, I776T, I593T, I736T.
Identifiers: ClinVar variation 5002382 (VCV005002382.1).

ClinVar aggregate classification (germline): Uncertain significance (1 of 4 stars; one submission).

Conditions:
BBS9-related disorder. Also called: BBS9-related condition.

Submission:

PreventionGenetics, part of Exact Sciences
Classification: Uncertain significance for BBS9-related condition. Last evaluated: 2025-06-26. Review status: criteria provided, single submitter. Criteria: ACMG Guidelines, 2015. Collection method: clinical testing. Allele origin: germline.
Comment: The BBS9 c.2327T>C variant is predicted to result in the amino acid substitution p.Ile776Thr. To our knowledge, this variant has not been reported in the literature or in a large population database (gnomAD), indicating this variant is rare. At this time, the clinical significance of this variant is uncertain due to the absence of conclusive functional and genetic evidence.